The following is an entry in ClinVar:

ClinVar aggregate classification (germline): Uncertain significance (1 of 4 stars; one submission).

Conditions:
Primary ciliary dyskinesia 21. Also called: CILIARY DYSKINESIA, PRIMARY, 21, WITHOUT SITUS INVERSUS. Identifiers: Orphanet 244, MedGen C3809087, MONDO:0014123, OMIM 615294.

gnomAD v4.1: 1 of 1,612,096 alleles (0.000062%); highest among the groups gnomAD compares: African/African-American, 0.0013%; no homozygotes.

Submission:

ARUP Laboratories, Molecular Genetics and Genomics, ARUP Laboratories
Classification: Uncertain significance for Primary ciliary dyskinesia 21. Last evaluated: 2022-03-25. Review status: criteria provided, single submitter. Criteria: ARUP Molecular Germline Variant Investigation Process 2021. Collection method: clinical testing. Allele origin: germline.
Comment: The DRC1 c.116G>C; p.Arg39Pro variant (rs1261893984), to our knowledge, is not reported in the medical literature or gene specific databases. This variant is also absent from the Genome Aggregation Database, indicating it is not a common polymorphism. The arginine at codon 39 is highly conserved, but computational analyses are uncertain whether this variant is neutral or deleterious (REVEL: 0.322). Due to limited information, the clinical significance of this variant is uncertain at this time.

NM_145038.5(DRC1):c.116G>C (p.Arg39Pro)

Gene: DRC1 (dynein regulatory complex subunit 1; plus strand). Cytogenetic location: 2p23.3.
Variant type: single nucleotide variant.
Coding change: c.116G>C on transcript NM_145038.5 (MANE Select); coding-DNA position 116, G replaced by C.
Protein change: p.Arg39Pro; replaces arginine 39 with proline.
Molecular consequence: missense variant.
Genome position (GRCh38, 1-based): chr2:26,402,105, G>C. VCF-style: chr2-26402105-G-C. GRCh37 (hg19) VCF-style: chr2-26624973-G-C.
Other names: short protein forms R39P.
Identifiers: ClinVar variation 2428723 (VCV002428723.3), dbSNP rs1261893984, ClinGen allele CA346126469.
Genomic context (GRCh38, chr2:26,402,105, plus strand): 5'-CCACCCAGATTCTCGCGCCCTCGGTCCACTCCGACAACTCTCAGGAGCGCATCCAGGCCC[G>C]GCGCCTCCGCATCGCTGCGCGCTTAGAAGCCCGGAGGCGGTGAGCGCGGGGGCGGGCGGG-3'
Protein context (NP_659475.2, residues 29-49): SDNSQERIQA[Arg39Pro]RLRIAARLEA